The following continues an entry in ClinVar:

NM_020975.6(RET):c.1996A>G (p.Lys666Glu)

Gene: RET. ClinVar aggregate classification (germline): Pathogenic/Likely pathogenic. Pathogenic (8); Likely pathogenic (6).

Submissions 6 to 15 of 15:

All of Us Research Program, National Institutes of Health
Classification: Likely pathogenic for Multiple endocrine neoplasia, type 2. Last evaluated: 2024-09-27. Review status: criteria provided, single submitter. Criteria: ACMG Guidelines, 2015. Collection method: clinical testing. Allele origin: germline. Inheritance: Autosomal dominant inheritance. Observed: 3 variant alleles, 3 heterozygotes.
Comment: The c.1996A>G (p.Lys666Glu) variant in the RET gene is located on the exon 11 and is predicted to replace lysine with glutamine at codon 666 of the receptor tyrosine kinase RET. This variant has been reported in individuals with multiple endocrine neoplasia or medullary thyroid carcinoma with incomplete penetrance (PMID:15858153, 32375120, 25440022, 30927507). Functional studies showed increased kinase and transforming activities in transfected HEK293 cells (PMID: 21690267). ClinVar contains an entry for this variant (ID: 24931). Another missense variant affecting the same codon, c.1998G>C (p.Lys666Asn), has also been reported to be pathogenic/likely pathogenic (ClinVar ID: 230926). This variant has not been observed in the general population according to gnomAD database. Based on this evidence, the c.1996A>G (p.Lys666Glu) variant in the RET gene is classified as likely pathogenic.

This study involves interpretation of variants in research participants for the purpose of population health screening. Participant phenotype was not available at the time of variant classification. Additional details can be found in publication PMID: 35346344, PMCID: PMC8962531

Color Diagnostics, LLC DBA Color Health
Classification: Likely pathogenic for Multiple endocrine neoplasia, type 2. Last evaluated: 2024-09-03. Review status: criteria provided, single submitter. Criteria: ACMG Guidelines, 2015. Collection method: clinical testing. Allele origin: germline.
Comment: This missense variant replaces lysine with glutamic acid at codon 666 of the RET protein. Computational prediction suggests that this variant may have deleterious impact on protein structure and function. A functional study has reported that this variant protein resulted in elevated kinase and cell transformation activities that were intermediate between the wild-type protein and the pathogenic control p.Cys634Arg (PMID: 21690267). This variant has been reported in at least 6 unrelated individuals affected with medullary thyroid cancer or MEN2A and one individual affected with pheochromocytoma (PMID: 15858153, 21690267, 25440022, 30927507, 32375120). This variant has been reported to segregate with medullary thyroid cancer and C-cell hyperplasia in one family (PMID: 15858153). The American Thyroid Association has reported that this variant confers moderate risk for medullary thyroid cancer (PMID: 25810047). This variant p.Lys666Glu and another substitution p.Lys666delinsAsnSer are suspected to have more severe disease characteristics when found with the polymorphism p.Gly691Ser (PMID: 15844786, 21690267), raising the possibility that substitutions at this codon may have variable penetrance or expressivity due to effects of genetic modifier. This variant has not been identified in the general population by the Genome Aggregation Database (gnomAD). Based on the available evidence, this variant is classified as Likely Pathogenic.

Fulgent Genetics
Classification: Pathogenic for Hirschsprung disease, susceptibility to, 1; Familial medullary thyroid carcinoma; Multiple endocrine neoplasia type 2B; Pheochromocytoma; Multiple endocrine neoplasia type 2A. Last evaluated: 2024-04-16. Review status: criteria provided, single submitter. Criteria: ACMG Guidelines, 2015. Collection method: clinical testing. Allele origin: germline.

Myriad Genetics, Inc.
Classification: Likely pathogenic for Multiple endocrine neoplasia type 2A. Last evaluated: 2024-01-05. Review status: criteria provided, single submitter. Criteria: Myriad Autosomal Dominant, Autosomal Recessive and X-Linked Classification Criteria (2023). Collection method: clinical testing. Allele origin: unknown.
Comment: This variant is considered likely pathogenic. This variant has been reported in multiple individuals with clinical features of gene-specific disease [PMID: 15858153, 30927507, 21690267, 25810047]. Functional studies indicate this variant impacts protein function [PMID: 21690267].

Baylor Genetics
Classification: Pathogenic for Hirschsprung disease, susceptibility to, 1. Last evaluated: 2023-12-17. Review status: criteria provided, single submitter. Criteria: ACMG Guidelines, 2015. Collection method: clinical testing. Allele origin: unknown.

Ambry Genetics
Classification: Pathogenic for Hereditary cancer-predisposing syndrome. Last evaluated: 2023-08-28. Review status: criteria provided, single submitter. Criteria: Ambry Variant Classification Scheme 2023. Collection method: clinical testing. Allele origin: germline.
Comment: The p.K666E pathogenic mutation (also known as c.1996A>G), located in coding exon 11 of the RET gene, results from an A to G substitution at nucleotide position 1996. The lysine at codon 666 is replaced by glutamic acid, an amino acid with similar properties. This mutation has been identified in three unrelated families with medullary thyroid cancer. In one family, 12 individuals were tested, and the mutation was observed to segregate with disease in 6/6 affected individuals (Ahmed SA et al. J Mol Diagn 2005;7:283-8). In an in vitro focus formation assay, the mutant protein demonstrated transforming activity and oncogenic potential at levels higher than wild type, but lower than the well-described pathogenic p.C634R mutation (Borrello MG et al. Endocr. Relat. Cancer 2011; 18:519-27). This amino acid position is highly conserved in available vertebrate species. In addition, this alteration is predicted to be deleterious by in silico analysis. Based on the supporting evidence, this alteration is pathogenic for MEN2; however, the association of this alteration with Hirschsprung disease is unknown.

Mayo Clinic Laboratories, Mayo Clinic
Classification: Likely pathogenic. Last evaluated: 2022-03-03. Review status: criteria provided, single submitter. Criteria: ACMG Guidelines, 2015. Collection method: clinical testing. Allele origin: germline. Observed: 1 variant allele.
Comment: PP1, PP5, PM2, PS3, PS4_moderate

Sema4
Classification: Pathogenic for Hereditary cancer-predisposing syndrome. Last evaluated: 2021-09-22. Review status: criteria provided, single submitter. Criteria: Sema4 Curation Guidelines. Collection method: curation. Allele origin: germline.
Comment: The RET c.1996A>G (p.K666E) variant has been reported in heterozygosity in at least five individuals with medullary thyroid cancer and pheochromocytoma (PMID: 15858153, 21690267, 30927507). This variant was found to segregate with disease in 6 individuals across three families (PMID: 15858153); 6 additional family members, including younger individuals, were asymptomatic. Functional studies have shown that this variant increased transforming activity and oncogenic potential versus wild-type (PMID: 21690267). This variant is not reported in the population database Genome Aggregation Database (PMID: 32461654). This variant has been reported in ClinVar (Variation ID: 24931). In silico tools suggest the impact of the variant on protein function is deleterious. Based on the current evidence available, this variant is interpreted as pathogenic.

Genetics and Molecular Pathology, SA Pathology
Classification: Likely pathogenic for Hirschsprung disease, susceptibility to, 1. Last evaluated: 2021-04-28. Review status: criteria provided, single submitter. Criteria: ACMG Guidelines, 2015. Collection method: clinical testing. Allele origin: germline. Inheritance: Autosomal dominant inheritance. Affected: yes.

CSER _CC_NCGL, University of Washington
Classification: Likely benign for Thyroid carcinoma, medullary. Last evaluated: 2014-06-01. Review status: no assertion criteria provided. Collection method: research. Allele origin: germline. Inheritance: Autosomal dominant inheritance. Study: ESP 6500 variant annotation. Not counted in ClinVar's aggregate classification.
Comment: Variants classified for the Actionable exomic incidental findings in 6503 participants: challenges of variant classification manuscript

Literature cited by the submitters: PubMed 15858153 (cited by 7 submitters); PubMed 21690267 (cited by 7 submitters); PubMed 30927507 (cited by 5 submitters); PubMed 20103606 (cited by Labcorp Genetics (formerly Invitae), Labcorp); PubMed 26269449 (cited by Labcorp Genetics (formerly Invitae), Labcorp); PubMed 27673361 (cited by Labcorp Genetics (formerly Invitae), Labcorp); PubMed 16849421 (cited by Women's Health and Genetics/Laboratory Corporation of America, LabCorp); PubMed 17704047 (cited by Women's Health and Genetics/Laboratory Corporation of America, LabCorp); PubMed 17605401 (cited by Women's Health and Genetics/Laboratory Corporation of America, LabCorp); PubMed 25440022 (cited by All of Us Research Program, National Institutes of Health and Color Diagnostics, LLC DBA Color Health); PubMed 32375120 (cited by All of Us Research Program, National Institutes of Health and Color Diagnostics, LLC DBA Color Health); PubMed 15844786 (cited by Color Diagnostics, LLC DBA Color Health); PubMed 25810047 (cited by Color Diagnostics, LLC DBA Color Health and Myriad Genetics, Inc.); PubMed 25637381 (cited by Ambry Genetics).